The following is an entry in ClinVar:

NM_017636.4(TRPM4):c.3007C>T (p.Pro1003Ser)

Gene: TRPM4 (transient receptor potential cation channel subfamily M member 4; plus strand). Cytogenetic location: 19q13.33.
Variant type: single nucleotide variant.
Coding change: c.3007C>T on transcript NM_017636.4 (MANE Select); coding-DNA position 3007, C replaced by T.
Protein change: p.Pro1003Ser; replaces proline 1003 with serine.
Molecular consequence: missense variant.
Genome position (GRCh38, 1-based): chr19:49,202,017, C>T. VCF-style: chr19-49202017-C-T. GRCh37 (hg19) VCF-style: chr19-49705274-C-T.
Other names: c.2572C>T, p.Pro858Ser (NM_001195227.2); c.2662C>T, p.Pro888Ser (NM_001321281.2); c.1399C>T, p.Pro467Ser (NM_001321282.2); c.2485C>T, p.Pro829Ser (NM_001321283.2); c.1945C>T, p.Pro649Ser (NM_001321285.2); short protein forms P1003S, P467S, P649S, P829S, P858S, P888S.
Identifiers: ClinVar variation 1063271 (VCV001063271.9), dbSNP rs765184826, ClinGen allele CA9569741.
Genomic context (GRCh38, chr19:49,202,017, plus strand): 5'-TTCACAGTGGCCCTCATGGAGCACAGCAACTGCTCGTCGGAGCCCGGCTTCTGGGCACAC[C>T]CTCCTGGGGCCCAGGCGGGCACCTGCGTCTCCCAGTATGCCAACTGGCTGGTGGTGCTGC-3'
Protein context (NP_060106.2, residues 993-1013): CSSEPGFWAH[Pro1003Ser]PGAQAGTCVS

ClinVar aggregate classification (germline): Uncertain significance (1 of 4 stars; one submission).

Conditions:
Progressive familial heart block type IB (PFHB1B). Identifiers: Orphanet 871, MedGen C1970298, MONDO:0011474, OMIM 604559.

Allele frequency attached by ClinVar (database versions not stated): gnomAD exomes below 0.00001; ExAC 0.00001.
gnomAD v4.1: 2 of 1,613,694 alleles (0.00012%); highest among the groups gnomAD compares: Non-Finnish European, 0.00017%; no homozygotes.

Submission:

Labcorp Genetics (formerly Invitae), Labcorp
Classification: Uncertain significance for Progressive familial heart block type IB. Last evaluated: 2020-10-06. Review status: criteria provided, single submitter. Criteria: Invitae Variant Classification Sherloc (09022015). Collection method: clinical testing. Allele origin: germline.
Comment: In summary, the available evidence is currently insufficient to determine the role of this variant in disease. Therefore, it has been classified as a Variant of Uncertain Significance. Algorithms developed to predict the effect of missense changes on protein structure and function (SIFT, PolyPhen-2, Align-GVGD) all suggest that this variant is likely to be tolerated, but these predictions have not been confirmed by published functional studies and their clinical significance is uncertain. This variant has not been reported in the literature in individuals with TRPM4-related conditions. This variant is present in population databases (rs765184826, ExAC 0.001%). This sequence change replaces proline with serine at codon 1003 of the TRPM4 protein (p.Pro1003Ser). The proline residue is moderately conserved and there is a moderate physicochemical difference between proline and serine.